The following is an entry in ClinVar:

ClinVar aggregate classification (germline): Uncertain significance (1 of 4 stars; one submission).

Conditions:
Genitopatellar syndrome (GTPTS). Also called: ABSENT PATELLAE, SCROTAL HYPOPLASIA, RENAL ANOMALIES, FACIAL DYSMORPHISM, AND MENTAL RETARDATION; Genitopatellar syndrome (GPS). Identifiers: Orphanet 85201, MedGen C1853566, MONDO:0011640, OMIM 606170.

Submission:

Labcorp Genetics (formerly Invitae), Labcorp
Classification: Uncertain significance for Genitopatellar syndrome. Last evaluated: 2024-11-06. Review status: criteria provided, single submitter. Criteria: Invitae Variant Classification Sherloc (09022015). Collection method: clinical testing. Allele origin: germline.
Comment: This sequence change replaces threonine, which is neutral and polar, with arginine, which is basic and polar, at codon 512 of the KAT6B protein (p.Thr512Arg). This variant is not present in population databases (gnomAD no frequency). This variant has not been reported in the literature in individuals affected with KAT6B-related conditions. Invitae Evidence Modeling of protein sequence and biophysical properties (such as structural, functional, and spatial information, amino acid conservation, physicochemical variation, residue mobility, and thermodynamic stability) indicates that this missense variant is not expected to disrupt KAT6B protein function with a negative predictive value of 80%. In summary, the available evidence is currently insufficient to determine the role of this variant in disease. Therefore, it has been classified as a Variant of Uncertain Significance.

NM_012330.4(KAT6B):c.1535C>G (p.Thr512Arg)

Gene: KAT6B (lysine acetyltransferase 6B; plus strand). Cytogenetic location: 10q22.2.
Variant type: single nucleotide variant.
Coding change: c.1535C>G on transcript NM_012330.4 (MANE Select); coding-DNA position 1535, C replaced by G.
Protein change: p.Thr512Arg; replaces threonine 512 with arginine.
Molecular consequence: missense variant. On other transcripts: intron variant (13).
Genome position (GRCh38, 1-based): chr10:74,975,872, C>G. VCF-style: chr10-74975872-C-G. GRCh37 (hg19) VCF-style: chr10-76735630-C-G.
Other names: c.1117+418C>G (NM_001370139.1, NM_001370140.1, NM_001370141.1 and 3 more transcripts); c.1444+91C>G (NM_001370138.1, NM_001256468.2); c.846+6097C>G (NM_001370133.1); c.193-3352C>G (NM_001370134.1); c.929-1444C>G (NM_001370143.1, NM_001370144.1); c.193-13147C>G (NM_001370135.1); c.1535C>G, p.Thr512Arg (NM_001370136.1, NM_001370137.1); short protein forms T512R.
Identifiers: ClinVar variation 3666681 (VCV003666681.2).
Genomic context (GRCh38, chr10:74,975,872, plus strand): 5'-CTTCACTTCCACCCCCAACCCCCATCTCCGGTCAGAGCCCCAGTTCACAAAAGTCCAGCA[C>G]GGCCACTTCTTCTCCCTCTCCCCAGAGTTCTTCCAGCCAGTGCAGTGTGCCCTCCCTGAG-3'
Protein context (NP_036462.2, residues 502-522): GQSPSSQKSS[Thr512Arg]ATSSPSPQSS